The following is an entry in ClinVar:

ClinVar aggregate classification (germline): Uncertain significance. Review status: criteria provided, multiple submitters, no conflicts (2 of 4 stars). 2 submissions from 2 submitters: Uncertain significance (2). Last evaluated 2026-04-26.

Conditions:
Hereditary cancer-predisposing syndrome. Also called: Tumor predisposition; Hereditary Cancer Syndrome; Neoplastic Syndromes, Hereditary; Hereditary neoplastic syndrome. Identifiers: Orphanet 140162, MedGen C0027672, MeSH D009386, MONDO:0015356.

Allele frequency attached by ClinVar (database versions not stated): gnomAD exomes below 0.00001; TOPMed below 0.00001; ExAC 0.00001.
gnomAD v4.1: 1 of 1,606,686 alleles (0.000062%); highest among the groups gnomAD compares: Admixed American, 0.0017%; no homozygotes.

Submissions (2):

Ambry Genetics
Classification: Uncertain significance for Hereditary cancer-predisposing syndrome. Last evaluated: 2026-04-26. Review status: criteria provided, single submitter. Criteria: Ambry Variant Classification Scheme 2023. Collection method: clinical testing. Allele origin: germline.
Comment: The p.T635I variant (also known as c.1904C>T), located in coding exon 14 of the MSH3 gene, results from a C to T substitution at nucleotide position 1904. The threonine at codon 635 is replaced by isoleucine, an amino acid with similar properties. This amino acid position is conserved. In addition, this alteration is predicted to be deleterious by in silico analysis. Based on the available evidence, the clinical significance of this variant remains unclear.

Labcorp Genetics (formerly Invitae), Labcorp
Classification: Uncertain significance. Last evaluated: 2020-12-20. Review status: criteria provided, single submitter. Criteria: Invitae Variant Classification Sherloc (09022015). Collection method: clinical testing. Allele origin: germline.
Comment: In summary, the available evidence is currently insufficient to determine the role of this variant in disease. Therefore, it has been classified as a Variant of Uncertain Significance. This sequence change replaces threonine with isoleucine at codon 635 of the MSH3 protein (p.Thr635Ile). The threonine residue is moderately conserved and there is a moderate physicochemical difference between threonine and isoleucine. This variant is present in population databases (rs769417932, ExAC 0.009%). This variant has not been reported in the literature in individuals with MSH3-related conditions. Algorithms developed to predict the effect of missense changes on protein structure and function are either unavailable or do not agree on the potential impact of this missense change (SIFT: "Tolerated"; PolyPhen-2: "Possibly Damaging"; Align-GVGD: "Class C0").

NM_002439.5(MSH3):c.1904C>T (p.Thr635Ile)

Gene: MSH3 (mutS homolog 3; plus strand). Cytogenetic location: 5q14.1.
Variant type: single nucleotide variant.
Coding change: c.1904C>T on transcript NM_002439.5 (MANE Select); coding-DNA position 1904, C replaced by T.
Protein change: p.Thr635Ile; replaces threonine 635 with isoleucine.
Molecular consequence: missense variant.
Genome position (GRCh38, 1-based): chr5:80,767,940, C>T. VCF-style: chr5-80767940-C-T. GRCh37 (hg19) VCF-style: chr5-80063759-C-T.
Other names: c.1904C>T (NM_002439.3); short protein forms T635I.
Identifiers: ClinVar variation 638856 (VCV000638856.11), dbSNP rs769417932, ClinGen allele CA3328096.